The following is an entry in ClinVar:

NM_001205293.3(CACNA1E):c.2483G>T (p.Arg828Leu)

Gene: CACNA1E (calcium voltage-gated channel subunit alpha1 E; plus strand). Cytogenetic location: 1q25.3.
Variant type: single nucleotide variant.
Coding change: c.2483G>T on transcript NM_001205293.3 (MANE Select); coding-DNA position 2483, G replaced by T.
Protein change: p.Arg828Leu; replaces arginine 828 with leucine.
Molecular consequence: missense variant.
Genome position (GRCh38, 1-based): chr1:181,732,569, G>T. VCF-style: chr1-181732569-G-T. GRCh37 (hg19) VCF-style: chr1-181701705-G-T.
Other names: c.2483G>T, p.Arg828Leu (NM_000721.4); c.2426G>T, p.Arg809Leu (NM_001205294.2); short protein forms R828L, R809L.
Identifiers: ClinVar variation 1441296 (VCV001441296.6), dbSNP rs926850053, ClinGen allele CA343617447.

ClinVar aggregate classification (germline): Uncertain significance (1 of 4 stars; one submission).

Submission:

Labcorp Genetics (formerly Invitae), Labcorp
Classification: Uncertain significance. Last evaluated: 2021-10-27. Review status: criteria provided, single submitter. Criteria: Invitae Variant Classification Sherloc (09022015). Collection method: clinical testing. Allele origin: germline.
Comment: In summary, the available evidence is currently insufficient to determine the role of this variant in disease. Therefore, it has been classified as a Variant of Uncertain Significance. Advanced modeling of protein sequence and biophysical properties (such as structural, functional, and spatial information, amino acid conservation, physicochemical variation, residue mobility, and thermodynamic stability) performed at Invitae indicates that this missense variant is not expected to disrupt CACNA1E protein function. This variant has not been reported in the literature in individuals affected with CACNA1E-related conditions. This variant is not present in population databases (gnomAD no frequency). This sequence change replaces arginine, a(n) basic and polar amino acid, with leucine, a(n) neutral and non-polar amino acid, at codon 828 of the CACNA1E protein (p.Arg828Leu).